The following is an entry in ClinVar:

ClinVar aggregate classification (germline): Uncertain significance. Review status: criteria provided, multiple submitters, no conflicts (2 of 4 stars). 2 submissions from 2 submitters: Uncertain significance (2). Last evaluated 2025-07-14.

Conditions:
Microcephaly, normal intelligence and immunodeficiency (NBS). Also called: BERLIN BREAKAGE SYNDROME; Nijmegen breakage syndrome; Microcephaly with normal intelligence immunodeficiency and lymphoreticular malignancies; Nonsyndromal microcephaly autosomal recessive with normal intelligence; Seemanova syndrome 2; Ataxia telangiectasia variant V1. Identifiers: Orphanet 647, MedGen C0398791, MONDO:0009623, OMIM 251260.
Hereditary cancer-predisposing syndrome. Also called: Neoplastic Syndromes, Hereditary; Hereditary Cancer Syndrome; Tumor predisposition; Hereditary neoplastic syndrome. Identifiers: Orphanet 140162, MedGen C0027672, MeSH D009386, MONDO:0015356.

Allele frequency attached by ClinVar (database versions not stated): gnomAD exomes below 0.00001; TOPMed below 0.00001.
gnomAD v4.1: 1 of 1,582,710 alleles (0.000063%); highest among the groups gnomAD compares: Non-Finnish European, 0.000087%; no homozygotes.

Submissions (2):

Ambry Genetics
Classification: Uncertain significance for Hereditary cancer-predisposing syndrome. Last evaluated: 2025-07-14. Review status: criteria provided, single submitter. Criteria: Ambry Variant Classification Scheme 2023. Collection method: clinical testing. Allele origin: germline.
Comment: The p.S630L variant (also known as c.1889C>T), located in coding exon 12 of the NBN gene, results from a C to T substitution at nucleotide position 1889. The serine at codon 630 is replaced by leucine, an amino acid with dissimilar properties. This amino acid position is conserved. In addition, this alteration is predicted to be tolerated by in silico analysis. Since supporting evidence is limited at this time, the clinical significance of this alteration remains unclear.

Labcorp Genetics (formerly Invitae), Labcorp
Classification: Uncertain significance for Microcephaly, normal intelligence and immunodeficiency. Last evaluated: 2023-03-08. Review status: criteria provided, single submitter. Criteria: Invitae Variant Classification Sherloc (09022015). Collection method: clinical testing. Allele origin: germline.
Comment: In summary, the available evidence is currently insufficient to determine the role of this variant in disease. Therefore, it has been classified as a Variant of Uncertain Significance. This sequence change replaces serine, which is neutral and polar, with leucine, which is neutral and non-polar, at codon 630 of the NBN protein (p.Ser630Leu). This variant is not present in population databases (gnomAD no frequency). This variant has not been reported in the literature in individuals affected with NBN-related conditions. ClinVar contains an entry for this variant (Variation ID: 1516503). Algorithms developed to predict the effect of missense changes on protein structure and function output the following: SIFT: "Not Available"; PolyPhen-2: "Benign"; Align-GVGD: "Not Available". The leucine amino acid residue is found in multiple mammalian species, which suggests that this missense change does not adversely affect protein function.

NM_002485.5(NBN):c.1889C>T (p.Ser630Leu)

Genes: NBN (nibrin; minus strand), LOC126860438 (MED14-independent group 3 enhancer GRCh37_chr8:90959982-90961181; plus strand). Cytogenetic location: 8q21.3.
Variant type: single nucleotide variant.
Coding change: c.1889C>T on transcript NM_002485.5 (MANE Select); coding-DNA position 1889, C replaced by T.
Protein change: p.Ser630Leu; replaces serine 630 with leucine.
Molecular consequence: missense variant.
Genome position (GRCh38, 1-based): chr8:89,947,849, G>A on the plus strand (C>T on the coding strand, the complement: NBN is on the minus strand). VCF-style: chr8-89947849-G-A. GRCh37 (hg19) VCF-style: chr8-90960077-G-A.
Other names: c.1643C>T, p.Ser548Leu (NM_001024688.3); short protein forms S548L, S630L.
Identifiers: ClinVar variation 1516503 (VCV001516503.9), dbSNP rs1810267412, ClinGen allele CA371677232.